The following is an entry in ClinVar:

ClinVar aggregate classification (germline): Uncertain significance (1 of 4 stars; one submission).

Conditions:
Hereditary thrombocytopenia and hematological cancer predisposition syndrome associated with RUNX1. Also called: Familial Platelet Disorder with Propensity to Acute Myelogenous Leukemia; Familial thrombocytopenia with propensity to acute myelogenous leukemia; PLATELET DISORDER, ASPIRIN-LIKE; RUNX1 Familial Platelet Disorder with Associated Myeloid Malignancies. Identifiers: Orphanet 71290, MedGen C1832388, MeSH C563324, MONDO:0100083, OMIM 601399.

Submission:

Labcorp Genetics (formerly Invitae), Labcorp
Classification: Uncertain significance for Hereditary thrombocytopenia and hematological cancer predisposition syndrome associated with RUNX1. Last evaluated: 2025-10-26. Review status: criteria provided, single submitter. Criteria: Invitae Variant Classification Sherloc (09022015). Collection method: clinical testing. Allele origin: germline.
Comment: This sequence change replaces isoleucine, which is neutral and non-polar, with phenylalanine, which is neutral and non-polar, at codon 195 of the RUNX1 protein (p.Ile195Phe). This variant is not present in population databases (gnomAD no frequency). This variant has not been reported in the literature in individuals affected with RUNX1-related conditions. Invitae Evidence Modeling of protein sequence and biophysical properties (such as structural, functional, and spatial information, amino acid conservation, physicochemical variation, residue mobility, and thermodynamic stability) has been performed for this missense variant. However, the output from this modeling did not meet the statistical confidence thresholds required to predict the impact of this variant on RUNX1 protein function. In summary, the available evidence is currently insufficient to determine the role of this variant in disease. Therefore, it has been classified as a Variant of Uncertain Significance.

NM_001754.5(RUNX1):c.583A>T (p.Ile195Phe)

Genes: RUNX1 (RUNX family transcription factor 1; minus strand), RUNX1-AS1 (RUNX1 antisense RNA 1; plus strand). Cytogenetic location: 21q22.12.
Variant type: single nucleotide variant.
Coding change: c.583A>T on transcript NM_001754.5 (MANE Select); coding-DNA position 583, A replaced by T.
Protein change: p.Ile195Phe; replaces isoleucine 195 with phenylalanine.
Molecular consequence: missense variant.
Genome position (GRCh38, 1-based): chr21:34,859,504, T>A on the plus strand (A>T on the coding strand, the complement: RUNX1 is on the minus strand). VCF-style: chr21-34859504-T-A. GRCh37 (hg19) VCF-style: chr21-36231801-T-A.
Other names: c.502A>T, p.Ile168Phe (NM_001001890.3, NM_001122607.2); short protein forms I195F, I168F.
Identifiers: ClinVar variation 4719261 (VCV004719261.1).
Genomic context (GRCh38, chr21:34,859,504, plus strand): 5'-GGTGTACCAGCCCCAAGTGGATGCACTTACTTCGAGGTTCTCGGGGCCCATCCACTGTGA[T>A]TTTGATGGCTCTGTGGTAGGTGGCGACTTGCGGTGGGTTTGTGAAGACAGTGATGGTCAG-3'
Protein context (NP_001745.2, residues 185-205): QVATYHRAIK[Ile195Phe]TVDGPREPRR